The following is an entry in ClinVar:

ClinVar aggregate classification (germline): Conflicting classifications of pathogenicity. Review status: criteria provided, conflicting classifications (1 of 4 stars). 3 submissions from 3 submitters: Uncertain significance (1); Benign (1); Likely benign (1). Last evaluated 2025-12-03.

Conditions:
Fibrous dysplasia of jaw (CRBM). Also called: Cherubism. Identifiers: Orphanet 184, MedGen C0008029, MONDO:0007315, OMIM 118400.

Allele frequency attached by ClinVar (database versions not stated): 1000 Genomes Project 30x 0.00016; gnomAD exomes 0.00019 and 0.00047; 1000 Genomes Project 0.00020; TOPMed 0.00021; ESP Exome Variant Server 0.00023; gnomAD 0.00025; ExAC 0.00033.
gnomAD v4.1: 700 of 1,583,636 alleles (0.044%); highest among the groups gnomAD compares: Non-Finnish European, 0.058%; 1 homozygote.

Submissions (3):

Labcorp Genetics (formerly Invitae), Labcorp
Classification: Uncertain significance for Fibrous dysplasia of jaw. Last evaluated: 2025-12-03. Review status: criteria provided, single submitter. Criteria: Invitae Variant Classification Sherloc (09022015). Collection method: clinical testing. Allele origin: germline.
Comment: This sequence change affects codon 195 of the SH3BP2 mRNA. It is a 'silent' change, meaning that it does not change the encoded amino acid sequence of the SH3BP2 protein. It affects a nucleotide within the consensus splice site. This variant is present in population databases (rs200156713, gnomAD 0.04%), and has an allele count higher than expected for a pathogenic variant. This variant has not been reported in the literature in individuals affected with SH3BP2-related conditions. ClinVar contains an entry for this variant (Variation ID: 348580). Algorithms developed to predict the effect of sequence changes on RNA splicing suggest that this variant is not likely to affect RNA splicing. In summary, the available evidence is currently insufficient to determine the role of this variant in disease. Therefore, it has been classified as a Variant of Uncertain Significance.

Blueprint Genetics
Classification: Likely benign. Last evaluated: 2024-10-01. Review status: criteria provided, single submitter. Criteria: ACMG Guidelines, 2015. Collection method: clinical testing. Allele origin: germline.

Illumina Laboratory Services, Illumina
Classification: Benign for Fibrous dysplasia of jaw. Last evaluated: 2018-01-13. Review status: criteria provided, single submitter. Criteria: ICSL Variant Classification Criteria 13 December 2019. Collection method: clinical testing. Allele origin: germline.
Comment: This variant was observed in the ICSL laboratory as part of a predisposition screen in an ostensibly healthy population. It had not been previously curated by ICSL or reported in the Human Gene Mutation Database (HGMD: prior to June 1st, 2018), and was therefore a candidate for classification through an automated scoring system. Utilizing variant allele frequency, disease prevalence and penetrance estimates, and inheritance mode, an automated score was calculated to assess if this variant is too frequent to cause the disease. Based on the score and internal cut-off values, a variant classified as benign is not then subjected to further curation. The score for this variant resulted in a classification of benign for this disease.

NM_001122681.2(SH3BP2):c.585G>A (p.Glu195=)

Gene: SH3BP2 (SH3 domain binding protein 2; plus strand). Cytogenetic location: 4p16.3.
Variant type: single nucleotide variant.
Coding change: c.585G>A on transcript NM_001122681.2 (MANE Select); coding-DNA position 585, G replaced by A.
Protein change: p.Glu195=; no amino-acid change (glutamic acid 195 retained).
Molecular consequence: synonymous variant.
Genome position (GRCh38, 1-based): chr4:2,827,673, G>A. VCF-style: chr4-2827673-G-A. GRCh37 (hg19) VCF-style: chr4-2829400-G-A.
Other names: c.669G>A, p.Glu223= (LRG_1334t2, NM_001145855.2); c.585G>A, p.Glu195= (LRG_1334t1, NM_003023.4); c.756G>A, p.Glu252= (NM_001145856.2).
Identifiers: ClinVar variation 348580 (VCV000348580.15), dbSNP rs200156713, ClinGen allele CA2819248.